The following is an entry in ClinVar:

NM_006206.6(PDGFRA):c.334C>T (p.Leu112Phe)

Gene: PDGFRA (platelet derived growth factor receptor alpha; plus strand). Cytogenetic location: 4q12.
Variant type: single nucleotide variant.
Coding change: c.334C>T on transcript NM_006206.6 (MANE Select); coding-DNA position 334, C replaced by T.
Protein change: p.Leu112Phe; replaces leucine 112 with phenylalanine.
Molecular consequence: missense variant.
Genome position (GRCh38, 1-based): chr4:54,261,379, C>T. VCF-style: chr4-54261379-C-T. GRCh37 (hg19) VCF-style: chr4-55127546-C-T.
Other names: c.334C>T, p.Leu112Phe (NM_001347827.2, NM_001347829.2); c.409C>T, p.Leu137Phe (NM_001347828.2); c.373C>T, p.Leu125Phe (NM_001347830.2); c.334C>T (NM_006206.5); short protein forms L112F, L125F, L137F.
Identifiers: ClinVar variation 969120 (VCV000969120.12), dbSNP rs1722706795, ClinGen allele CA356889000.

ClinVar aggregate classification (germline): Conflicting classifications of pathogenicity. Review status: criteria provided, conflicting classifications (1 of 4 stars). 2 submissions from 2 submitters: Uncertain significance (1); Benign (1). Last evaluated 2025-10-07.

Conditions:
Ovarian cancer. Also called: OVARIAN CANCER, SOMATIC. Identifiers: Orphanet 213500, MedGen C1140680, MONDO:0008170, OMIM 167000.
Gastrointestinal stromal tumor. Also called: Gastrointestinal stromal tumor, somatic; Gastrointestinal stroma tumor. Identifiers: Orphanet 44890, MedGen C0238198, MeSH D046152, MONDO:0011719, OMIM 606764, HP:0100723.

Allele frequency attached by ClinVar (database versions not stated): gnomAD 0.00001.
gnomAD v4.1: 1 of 1,614,088 alleles (0.000062%); highest among the groups gnomAD compares: East Asian, 0.0022%; no homozygotes.

Submissions (2):

Labcorp Genetics (formerly Invitae), Labcorp
Classification: Uncertain significance for Gastrointestinal stromal tumor. Last evaluated: 2025-10-07. Review status: criteria provided, single submitter. Criteria: Invitae Variant Classification Sherloc (09022015). Collection method: clinical testing. Allele origin: germline.
Comment: This sequence change replaces leucine, which is neutral and non-polar, with phenylalanine, which is neutral and non-polar, at codon 112 of the PDGFRA protein (p.Leu112Phe). This variant is not present in population databases (gnomAD no frequency). This variant has not been reported in the literature in individuals affected with PDGFRA-related conditions. ClinVar contains an entry for this variant (Variation ID: 969120). An algorithm developed to predict the effect of missense changes on protein structure and function (PolyPhen-2) suggests that this variant is likely to be tolerated. In summary, the available evidence is currently insufficient to determine the role of this variant in disease. Therefore, it has been classified as a Variant of Uncertain Significance.

Laboratory of Molecular Epidemiology of Birth Defects, West China Second University Hospital, Sichuan University
Classification: Benign for Ovarian cancer. Last evaluated: 2022-01-01. Review status: criteria provided, single submitter. Criteria: ACMG Guidelines, 2015. Collection method: clinical testing. Allele origin: germline. Affected: yes.